The following is an entry in ClinVar:

ClinVar aggregate classification (germline): Likely benign. Review status: criteria provided, single submitter (1 of 4 stars). 2 submissions from 2 submitters: Likely benign (1). 1 of the submissions does not count toward it. Last evaluated 2024-11-26.

Conditions:
PRG4-related disorder. Also called: PRG4-related condition.

Allele frequency attached by ClinVar (database versions not stated): 1000 Genomes Project 0.02177; 1000 Genomes Project 30x 0.02202; TOPMed 0.03048; gnomAD 0.03591; ESP Exome Variant Server 0.03698; ExAC 0.03808; gnomAD exomes 0.04583.

Submissions (2):

Blueprint Genetics
Classification: Likely benign. Last evaluated: 2024-11-26. Review status: criteria provided, single submitter. Criteria: ACMG Guidelines, 2015. Collection method: clinical testing. Allele origin: germline.

PreventionGenetics, part of Exact Sciences
Classification: Benign for PRG4-related condition. Last evaluated: 2019-04-12. Review status: no assertion criteria provided. Collection method: clinical testing. Allele origin: germline. Not counted in ClinVar's aggregate classification.
Comment: This variant is classified as benign based on ACMG/AMP sequence variant interpretation guidelines (Richards et al. 2015 PMID: 25741868, with internal and published modifications).

NM_005807.6(PRG4):c.713C>T (p.Thr238Met)

Gene: PRG4 (proteoglycan 4; plus strand). Cytogenetic location: 1q31.1.
Variant type: single nucleotide variant.
Coding change: c.713C>T on transcript NM_005807.6 (MANE Select); coding-DNA position 713, C replaced by T.
Protein change: p.Thr238Met; replaces threonine 238 with methionine.
Molecular consequence: missense variant.
Genome position (GRCh38, 1-based): chr1:186,306,432, C>T. VCF-style: chr1-186306432-C-T. GRCh37 (hg19) VCF-style: chr1-186275564-C-T.
Other names: c.590C>T, p.Thr197Met (NM_001127708.3); c.434C>T, p.Thr145Met (NM_001127709.3); c.311C>T, p.Thr104Met (NM_001127710.3); c.584C>T, p.Thr195Met (NM_001303232.2); short protein forms T104M, T145M, T195M, T197M, T238M.
Identifiers: ClinVar variation 3037150 (VCV003037150.3), dbSNP rs12128607, ClinGen allele CA1295930.